The following is an entry in ClinVar:

ClinVar aggregate classification (germline): Uncertain significance (1 of 4 stars; one submission).

Conditions:
Autosomal dominant nocturnal frontal lobe epilepsy 5. Also called: KCNT1-Related Epilepsy; CILIARY DYSKINESIA, PRIMARY, 28, WITHOUT SITUS INVERSUS; CILIARY DYSKINESIA, PRIMARY, 28, WITH SITUS INVERSUS; Epilepsy, nocturnal frontal lobe, 5. Identifiers: Orphanet 98784, MedGen C3554306, MONDO:0014002, OMIM 615005.
Developmental and epileptic encephalopathy, 14 (DEE14). Also called: Early infantile epileptic encephalopathy 14. Identifiers: Orphanet 293181, MedGen C3554195, MONDO:0013989, OMIM 614959.

gnomAD v4.1: 1 of 1,430,962 alleles (0.00007%); highest among the groups gnomAD compares: East Asian, 0.0027%; no homozygotes.

Submission:

Labcorp Genetics (formerly Invitae), Labcorp
Classification: Uncertain significance for Autosomal dominant nocturnal frontal lobe epilepsy 5; Developmental and epileptic encephalopathy, 14. Last evaluated: 2026-01-17. Review status: criteria provided, single submitter. Criteria: Invitae Variant Classification Sherloc (09022015). Collection method: clinical testing. Allele origin: germline.
Comment: This sequence change replaces threonine, which is neutral and polar, with serine, which is neutral and polar, at codon 679 of the KCNT1 protein (p.Thr679Ser). This variant is not present in population databases (gnomAD no frequency). This variant has not been reported in the literature in individuals affected with KCNT1-related conditions. ClinVar contains an entry for this variant (Variation ID: 3748454). Invitae Evidence Modeling of protein sequence and biophysical properties (such as structural, functional, and spatial information, amino acid conservation, physicochemical variation, residue mobility, and thermodynamic stability) indicates that this missense variant is not expected to disrupt KCNT1 protein function with a negative predictive value of 80%. In summary, the available evidence is currently insufficient to determine the role of this variant in disease. Therefore, it has been classified as a Variant of Uncertain Significance.

NM_020822.3(KCNT1):c.2035A>T (p.Thr679Ser)

Gene: KCNT1 (potassium sodium-activated channel subfamily T member 1; plus strand). Cytogenetic location: 9q34.3.
Variant type: single nucleotide variant.
Coding change: c.2035A>T on transcript NM_020822.3 (MANE Select); coding-DNA position 2035, A replaced by T.
Protein change: p.Thr679Ser; replaces threonine 679 with serine.
Molecular consequence: missense variant.
Genome position (GRCh38, 1-based): chr9:135,772,741, A>T. VCF-style: chr9-135772741-A-T. GRCh37 (hg19) VCF-style: chr9-138664587-A-T.
Other names: c.1900A>T, p.Thr634Ser (NM_001272003.2); short protein forms T634S, T679S.
Identifiers: ClinVar variation 3748454 (VCV003748454.2).